The following is an entry in ClinVar:

ClinVar aggregate classification (germline): Uncertain significance. Review status: criteria provided, multiple submitters, no conflicts (2 of 4 stars). 3 submissions from 3 submitters: Uncertain significance (3). Last evaluated 2026-01-18.

Conditions:
Inborn genetic diseases. Identifiers: MedGen C0950123, MeSH D030342.
PCDH15-related disorder. Also called: PCDH15-related condition; PCDH15-related disorders.

Allele frequency attached by ClinVar (database versions not stated): gnomAD 0.00004; TOPMed 0.00005.
gnomAD v4.1: 12 of 1,613,716 alleles (0.00074%); highest among the groups gnomAD compares: African/African-American, 0.013%; no homozygotes.

Submissions (3):

PreventionGenetics, part of Exact Sciences
Classification: Uncertain significance for PCDH15-related condition. Last evaluated: 2026-01-18. Review status: criteria provided, single submitter. Criteria: ACMG Guidelines, 2015. Collection method: clinical testing. Allele origin: germline.
Comment: The PCDH15 c.1745C>A variant is predicted to result in the amino acid substitution p.Thr582Lys. To our knowledge, this variant has not been reported in the literature. This variant is reported in 0.016% of alleles in individuals of African descent in gnomAD. At this time, the clinical significance of this variant is uncertain due to the absence of conclusive functional and genetic evidence.

Ambry Genetics
Classification: Uncertain significance for Inborn genetic diseases. Last evaluated: 2024-03-08. Review status: criteria provided, single submitter. Criteria: Ambry Variant Classification Scheme 2023. Collection method: clinical testing. Allele origin: germline.

Labcorp Genetics (formerly Invitae), Labcorp
Classification: Uncertain significance. Last evaluated: 2022-02-06. Review status: criteria provided, single submitter. Criteria: Invitae Variant Classification Sherloc (09022015). Collection method: clinical testing. Allele origin: germline.
Comment: This sequence change replaces threonine, which is neutral and polar, with lysine, which is basic and polar, at codon 582 of the PCDH15 protein (p.Thr582Lys). This variant is present in population databases (rs752608084, gnomAD 0.02%). This variant has not been reported in the literature in individuals affected with PCDH15-related conditions. Algorithms developed to predict the effect of missense changes on protein structure and function are either unavailable or do not agree on the potential impact of this missense change (SIFT: "Deleterious"; PolyPhen-2: "Probably Damaging"; Align-GVGD: "Class C0"). Algorithms developed to predict the effect of sequence changes on RNA splicing suggest that this variant may create or strengthen a splice site. In summary, the available evidence is currently insufficient to determine the role of this variant in disease. Therefore, it has been classified as a Variant of Uncertain Significance.

NM_001384140.1(PCDH15):c.1745C>A (p.Thr582Lys)

Gene: PCDH15 (protocadherin related 15; minus strand). Cytogenetic location: 10q21.1.
Variant type: single nucleotide variant.
Coding change: c.1745C>A on transcript NM_001384140.1 (MANE Select); coding-DNA position 1745, C replaced by A.
Protein change: p.Thr582Lys; replaces threonine 582 with lysine.
Molecular consequence: missense variant.
Genome position (GRCh38, 1-based): chr10:54,153,139, G>T on the plus strand (C>A on the coding strand, the complement: PCDH15 is on the minus strand). VCF-style: chr10-54153139-G-T. GRCh37 (hg19) VCF-style: chr10-55912899-G-T.
Other names: c.1760C>A, p.Thr587Lys (NM_001142763.2, NM_001142771.2); c.1745C>A, p.Thr582Lys (NM_001142764.2, NM_001142765.2, NM_001142766.2 and 6 more transcripts); c.1634C>A, p.Thr545Lys (NM_001142767.2); c.1679C>A, p.Thr560Lys (NM_001142768.2, NM_001142773.2, NM_001354404.2); c.1781C>A, p.Thr594Lys (NM_001142769.4); c.1766C>A, p.Thr589Lys (NM_001354411.2); short protein forms T582K, T587K, T594K, T589K, T545K, T560K.
Identifiers: ClinVar variation 1938852 (VCV001938852.4), dbSNP rs752608084, ClinGen allele CA5506280.